The following is an entry in ClinVar:

NM_006231.4(POLE):c.1050C>T (p.His350=)

Gene: POLE (DNA polymerase epsilon, catalytic subunit; minus strand). Cytogenetic location: 12q24.33.
Variant type: single nucleotide variant.
Coding change: c.1050C>T on transcript NM_006231.4 (MANE Select); coding-DNA position 1050, C replaced by T.
Protein change: p.His350=; no amino-acid change (histidine 350 retained).
Molecular consequence: synonymous variant.
Genome position (GRCh38, 1-based): chr12:132,675,791, G>A on the plus strand (C>T on the coding strand, the complement: POLE is on the minus strand). VCF-style: chr12-132675791-G-A. GRCh37 (hg19) VCF-style: chr12-133252377-G-A.
Identifiers: ClinVar variation 484440 (VCV000484440.20), dbSNP rs752171701, ClinGen allele CA6894099.

ClinVar aggregate classification (germline): Benign/Likely benign. Review status: criteria provided, multiple submitters, no conflicts (2 of 4 stars). 6 submissions from 6 submitters: Benign (1); Likely benign (4). 1 of the submissions does not count toward it. Last evaluated 2025-10-06.

Conditions:
Colorectal cancer, susceptibility to, 12 (CRCS12). Also called: COLORECTAL CANCER, SUSCEPTIBILITY TO, ON CHROMOSOME 12q24. Identifiers: Orphanet 220460, MedGen C3554460, MONDO:0014038, OMIM 615083.
POLE-related disorder. Also called: POLE-related disorders; POLE-related condition.
Hereditary cancer-predisposing syndrome. Also called: Neoplastic Syndromes, Hereditary; Tumor predisposition; Hereditary Cancer Syndrome; Hereditary neoplastic syndrome. Identifiers: Orphanet 140162, MedGen C0027672, MeSH D009386, MONDO:0015356.

Allele frequency attached by ClinVar (database versions not stated): gnomAD exomes below 0.00001; ExAC 0.00001; gnomAD 0.00001; TOPMed 0.00001.
gnomAD v4.1: 9 of 1,614,014 alleles (0.00056%); highest among the groups gnomAD compares: South Asian, 0.0022%; no homozygotes.

Submissions (6):

Labcorp Genetics (formerly Invitae), Labcorp
Classification: Likely benign. Last evaluated: 2025-10-06. Review status: criteria provided, single submitter. Criteria: Invitae Variant Classification Sherloc (09022015). Collection method: clinical testing. Allele origin: germline.

Quest Diagnostics Nichols Institute San Juan Capistrano
Classification: Likely benign. Last evaluated: 2025-02-24. Review status: criteria provided, single submitter. Criteria: Quest Diagnostics criteria. Collection method: clinical testing. Allele origin: unknown.

Myriad Genetics, Inc.
Classification: Benign for Colorectal cancer, susceptibility to, 12. Last evaluated: 2025-02-10. Review status: criteria provided, single submitter. Criteria: Myriad Autosomal Dominant, Autosomal Recessive and X-Linked Classification Criteria (2023). Collection method: clinical testing. Allele origin: unknown.
Comment: This variant is considered benign. This variant is a silent/synonymous amino acid change and it is not expected to impact splicing.

GeneDx
Classification: Likely benign. Last evaluated: 2017-03-15. Review status: criteria provided, single submitter. Criteria: GeneDx Variant Classification (06012015). Collection method: clinical testing. Allele origin: germline. Affected: yes.
Comment: This variant is considered likely benign or benign based on one or more of the following criteria: it is a conservative change, it occurs at a poorly conserved position in the protein, it is predicted to be benign by multiple in silico algorithms, and/or has population frequency not consistent with disease.

Ambry Genetics
Classification: Likely benign for Hereditary cancer-predisposing syndrome. Last evaluated: 2016-11-07. Review status: criteria provided, single submitter. Criteria: Ambry Variant Classification Scheme 2023. Collection method: clinical testing. Allele origin: germline.

PreventionGenetics, part of Exact Sciences
Classification: Likely benign for POLE-related condition. Last evaluated: 2019-06-12. Review status: no assertion criteria provided. Collection method: clinical testing. Allele origin: germline. Not counted in ClinVar's aggregate classification.
Comment: This variant is classified as likely benign based on ACMG/AMP sequence variant interpretation guidelines (Richards et al. 2015 PMID: 25741868, with internal and published modifications).